The following is an entry in ClinVar:

NM_000368.5(TSC1):c.1783G>T (p.Gly595Cys)

Gene: TSC1 (TSC complex subunit 1; minus strand). Cytogenetic location: 9q34.13.
Variant type: single nucleotide variant.
Coding change: c.1783G>T on transcript NM_000368.5 (MANE Select); coding-DNA position 1783, G replaced by T.
Protein change: p.Gly595Cys; replaces glycine 595 with cysteine.
Molecular consequence: missense variant.
Genome position (GRCh38, 1-based): chr9:132,905,795, C>A on the plus strand (G>T on the coding strand, the complement: TSC1 is on the minus strand). VCF-style: chr9-132905795-C-A. GRCh37 (hg19) VCF-style: chr9-135781182-C-A.
Other names: c.1780G>T, p.Gly594Cys (NM_001162426.2); c.1630G>T, p.Gly544Cys (NM_001162427.2); c.1420G>T, p.Gly474Cys (NM_001362177.2); short protein forms G544C, G595C, G474C, G594C.
Identifiers: ClinVar variation 1369067 (VCV001369067.8), dbSNP rs2131824204, ClinGen allele CA375363566.

ClinVar aggregate classification (germline): Uncertain significance (1 of 4 stars; one submission).

Conditions:
Tuberous sclerosis 1 (TSC1). Identifiers: Orphanet 805, MedGen C1854465, MONDO:0008612, OMIM 191100.

Submission:

Labcorp Genetics (formerly Invitae), Labcorp
Classification: Uncertain significance for Tuberous sclerosis 1. Last evaluated: 2021-07-21. Review status: criteria provided, single submitter. Criteria: Invitae Variant Classification Sherloc (09022015). Collection method: clinical testing. Allele origin: germline.
Comment: In summary, the available evidence is currently insufficient to determine the role of this variant in disease. Therefore, it has been classified as a Variant of Uncertain Significance. Algorithms developed to predict the effect of missense changes on protein structure and function are either unavailable or do not agree on the potential impact of this missense change (SIFT: "Tolerated"; PolyPhen-2: "Possibly Damaging"; Align-GVGD: "Class C0"). This variant has not been reported in the literature in individuals affected with TSC1-related conditions. This variant is not present in population databases (ExAC no frequency). This sequence change replaces glycine with cysteine at codon 595 of the TSC1 protein (p.Gly595Cys). The glycine residue is weakly conserved and there is a large physicochemical difference between glycine and cysteine.